The following is an entry in ClinVar:

NM_000019.4(ACAT1):c.1167G>T (p.Met389Ile)

Gene: ACAT1 (acetyl-CoA acetyltransferase 1; plus strand). Cytogenetic location: 11q22.3.
Variant type: single nucleotide variant.
Coding change: c.1167G>T on transcript NM_000019.4 (MANE Select); coding-DNA position 1167, G replaced by T.
Protein change: p.Met389Ile; replaces methionine 389 with isoleucine.
Molecular consequence: missense variant. On other transcripts: non-coding transcript variant (2).
Genome position (GRCh38, 1-based): chr11:108,147,273, G>T. VCF-style: chr11-108147273-G-T. GRCh37 (hg19) VCF-style: chr11-108018000-G-T.
Other names: c.1188G>T, p.Met396Ile (NM_001386677.1); c.852G>T, p.Met284Ile (NM_001386678.1); c.870G>T, p.Met290Ile (NM_001386679.1); c.897G>T, p.Met299Ile (NM_001386681.1, NM_001386682.1, NM_001386685.1 and 6 more transcripts); short protein forms M396I, M290I, M284I, M389I, M299I.
Identifiers: ClinVar variation 1465422 (VCV001465422.6), dbSNP rs377295639, ClinGen allele CA382508698.

ClinVar aggregate classification (germline): Likely pathogenic (1 of 4 stars; one submission).

Conditions:
Deficiency of acetyl-CoA acetyltransferase. Also called: Beta-ketothiolase deficiency; 3-KETOTHIOLASE DEFICIENCY; 3-OXOTHIOLASE DEFICIENCY; MITOCHONDRIAL ACETOACETYL-CoA THIOLASE DEFICIENCY. Identifiers: Orphanet 134, MedGen C1536500, MONDO:0008760, OMIM 203750. Disease mechanism: loss of function.

Submission:

Labcorp Genetics (formerly Invitae), Labcorp
Classification: Likely pathogenic for Deficiency of acetyl-CoA acetyltransferase. Last evaluated: 2021-10-04. Review status: criteria provided, single submitter. Criteria: Invitae Variant Classification Sherloc (09022015). Collection method: clinical testing. Allele origin: germline.
Comment: This sequence change replaces methionine with isoleucine at codon 389 of the ACAT1 protein (p.Met389Ile). The methionine residue is highly conserved and there is a small physicochemical difference between methionine and isoleucine. This variant is not present in population databases (ExAC no frequency). This missense change has been observed in individual(s) with mitochondrial acetoacetyl-CoA thiolase deficiency (PMID: 28255778). Advanced modeling of protein sequence and biophysical properties (such as structural, functional, and spatial information, amino acid conservation, physicochemical variation, residue mobility, and thermodynamic stability) performed at Invitae indicates that this missense variant is expected to disrupt ACAT1 protein function. In summary, the currently available evidence indicates that the variant is pathogenic, but additional data are needed to prove that conclusively. Therefore, this variant has been classified as Likely Pathogenic.

Literature cited by the submitters: PubMed 28255778.